The following is an entry in ClinVar:

ClinVar aggregate classification (germline): Likely benign (0 of 4 stars; one submission).

Conditions:
DNMT3A-related disorder. Also called: DNMT3A-related disorders; DNMT3A-related condition.

Submission:

PreventionGenetics, part of Exact Sciences
Classification: Likely benign for DNMT3A-related condition. Last evaluated: 2022-03-22. Review status: no assertion criteria provided. Collection method: clinical testing. Allele origin: germline.
Comment: This variant is classified as likely benign based on ACMG/AMP sequence variant interpretation guidelines (Richards et al. 2015 PMID: 25741868, with internal and published modifications).

NM_022552.5(DNMT3A):c.1554+5G>A

Gene: DNMT3A (DNA methyltransferase 3 alpha; minus strand). Cytogenetic location: 2p23.3.
Variant type: single nucleotide variant.
Coding change: c.1554+5G>A on transcript NM_022552.5 (MANE Select); 5 bases into the intron after coding-DNA position 1554, G replaced by A.
Molecular consequence: intron variant.
Genome position (GRCh38, 1-based): chr2:25,245,248, C>T on the plus strand (G>A on the coding strand, the complement: DNMT3A is on the minus strand). VCF-style: chr2-25245248-C-T. GRCh37 (hg19) VCF-style: chr2-25468117-C-T.
Other names: c.1554+5G>A (NM_175629.2); c.987+5G>A (NM_153759.3); c.1098+5G>A (NM_001320893.1); c.885+5G>A (NM_001375819.1).
Identifiers: ClinVar variation 3352242 (VCV003352242.1).